The following is an entry in ClinVar:

ClinVar aggregate classification (germline): Uncertain significance (1 of 4 stars; one submission).

Submission:

Women's Health and Genetics/Laboratory Corporation of America, LabCorp
Classification: Uncertain significance. Last evaluated: 2024-02-15. Review status: criteria provided, single submitter. Criteria: LabCorp Variant Classification Summary - May 2015. Collection method: clinical testing. Allele origin: germline.
Comment: Variant summary: The variant involves the duplication of exons 2-8 in the TSPAN7 gene, which includes the last coding exon (exon 7) of the gene. A presumed nomenclature of c.(81+1_82-1)_(*989_?)dup has been designated for the purposes of this classification. The exact breakpoint at the 3' end of this variant is unknown, therefore this duplication may extend downstream of the annotated region of the gene. As it duplicates the termination codon, its effect on the encoded protein is unknown. A large duplication (size: 146,279 bp) covering exons 2-8 together with a large DNA segment extending downstream of the gene, was found at a frequency of 0.00082 in 15814 control chromosomes, including 3 hemizygotes who are also part of the non-neuro dataset in the gnomAD database (Structural Variants v2.1 dataset). On the other hand, a large duplication covering exon 2 till the last coding exon of the gene (described as duplication of exons 2-7) has been reported in the literature in at least two brothers affected with Intellectual Disability, who inherited the variant from their unaffected mother (Utine_2011). This report does not provide unequivocal conclusions about association of the variant with Intellectual Disability, X-Linked 58. The following publication has been ascertained in the context of this evaluation (PMID: 22511893). ClinVar contains an entry for this variant (Variation ID: 2425185). Based on the evidence outlined above, the variant was classified as uncertain significance.

Literature cited by the submitters: PubMed 22511893.

NC_000023.10:g.(38420881_38525374)_(38548173_?)dup

Gene: TSPAN7 (tetraspanin 7; plus strand). Cytogenetic location: Xp11.4.
Variant type: Duplication.
Identifiers: ClinVar variation 3069031 (VCV003069031.1).